The following is an entry in ClinVar:

ClinVar aggregate classification (germline): Uncertain significance. Review status: criteria provided, multiple submitters, no conflicts (2 of 4 stars). 3 submissions from 3 submitters: Uncertain significance (3). Last evaluated 2025-12-03.

Conditions:
DMXL2-related disorder. Also called: DMXL2-related condition.
Inborn genetic diseases. Identifiers: MedGen C0950123, MeSH D030342.

Allele frequency attached by ClinVar (database versions not stated): ExAC 0.00002; gnomAD exomes 0.00002; gnomAD 0.00005; TOPMed 0.00006; ESP Exome Variant Server 0.00008.
gnomAD v4.1: 34 of 1,614,064 alleles (0.0021%); highest among the groups gnomAD compares: South Asian, 0.013%; no homozygotes.

Submissions (3):

Ambry Genetics
Classification: Uncertain significance for Inborn genetic diseases. Last evaluated: 2025-12-03. Review status: criteria provided, single submitter. Criteria: Ambry Variant Classification Scheme 2023. Collection method: clinical testing. Allele origin: germline.

PreventionGenetics, part of Exact Sciences
Classification: Uncertain significance for DMXL2-related condition. Last evaluated: 2025-05-02. Review status: criteria provided, single submitter. Criteria: ACMG Guidelines, 2015. Collection method: clinical testing. Allele origin: germline.
Comment: The DMXL2 c.3199A>G variant is predicted to result in the amino acid substitution p.Ile1067Val. To our knowledge, this variant has not been reported in the literature. This variant is reported in 0.030% of alleles in individuals of Ashkenazi Jewish descent in gnomAD. At this time, the clinical significance of this variant is uncertain due to the absence of conclusive functional and genetic evidence.

Labcorp Genetics (formerly Invitae), Labcorp
Classification: Uncertain significance. Last evaluated: 2022-10-05. Review status: criteria provided, single submitter. Criteria: Invitae Variant Classification Sherloc (09022015). Collection method: clinical testing. Allele origin: germline.
Comment: This sequence change replaces isoleucine, which is neutral and non-polar, with valine, which is neutral and non-polar, at codon 1067 of the DMXL2 protein (p.Ile1067Val). This variant is present in population databases (rs375475910, gnomAD 0.03%). This variant has not been reported in the literature in individuals affected with DMXL2-related conditions. Algorithms developed to predict the effect of missense changes on protein structure and function (SIFT, PolyPhen-2, Align-GVGD) all suggest that this variant is likely to be tolerated. In summary, the available evidence is currently insufficient to determine the role of this variant in disease. Therefore, it has been classified as a Variant of Uncertain Significance.

NM_001378457.1(DMXL2):c.3199A>G (p.Ile1067Val)

Gene: DMXL2 (Dmx like 2; minus strand). Cytogenetic location: 15q21.2.
Variant type: single nucleotide variant.
Coding change: c.3199A>G on transcript NM_001378457.1 (MANE Select); coding-DNA position 3199, A replaced by G.
Protein change: p.Ile1067Val; replaces isoleucine 1067 with valine.
Molecular consequence: missense variant. On other transcripts: non-coding transcript variant (2), intron variant (2).
Genome position (GRCh38, 1-based): chr15:51,500,025, T>C on the plus strand (A>G on the coding strand, the complement: DMXL2 is on the minus strand). VCF-style: chr15-51500025-T-C. GRCh37 (hg19) VCF-style: chr15-51792222-T-C.
Other names: c.2764+7109A>G (NM_001378460.1); c.2765-4891A>G (NM_001174117.3); c.3199A>G, p.Ile1067Val (NM_001174116.3, NM_001378458.1, NM_001378459.1 and 4 more transcripts); c.2959A>G, p.Ile987Val (NM_001378464.1); c.3199A>G (NM_001174116.1); short protein forms I1067V, I987V.
Identifiers: ClinVar variation 2181640 (VCV002181640.3), dbSNP rs375475910, ClinGen allele CA7562196.